The following is an entry in ClinVar:

NM_000443.4(ABCB4):c.3081+5G>A

Gene: ABCB4 (ATP binding cassette subfamily B member 4; minus strand). Cytogenetic location: 7q21.12.
Variant type: single nucleotide variant.
Coding change: c.3081+5G>A on transcript NM_000443.4 (MANE Select); 5 bases into the intron after coding-DNA position 3081, G replaced by A.
Molecular consequence: intron variant.
Genome position (GRCh38, 1-based): chr7:87,409,231, C>T on the plus strand (G>A on the coding strand, the complement: ABCB4 is on the minus strand). VCF-style: chr7-87409231-C-T. GRCh37 (hg19) VCF-style: chr7-87038547-C-T.
Other names: c.2940+5G>A (NM_018850.3); c.3081+5G>A (NM_018849.3).
Identifiers: ClinVar variation 3728002 (VCV003728002.2).

ClinVar aggregate classification (germline): Uncertain significance (1 of 4 stars; one submission).

Submission:

Labcorp Genetics (formerly Invitae), Labcorp
Classification: Uncertain significance. Last evaluated: 2024-12-24. Review status: criteria provided, single submitter. Criteria: Invitae Variant Classification Sherloc (09022015). Collection method: clinical testing. Allele origin: germline.
Comment: This sequence change falls in intron 24 of the ABCB4 gene. It does not directly change the encoded amino acid sequence of the ABCB4 protein. It affects a nucleotide within the consensus splice site. This variant is not present in population databases (gnomAD no frequency). This variant has not been reported in the literature in individuals affected with ABCB4-related conditions. Variants that disrupt the consensus splice site are a relatively common cause of aberrant splicing (PMID: 17576681, 9536098). Algorithms developed to predict the effect of sequence changes on RNA splicing suggest that this variant may disrupt the consensus splice site. In summary, the available evidence is currently insufficient to determine the role of this variant in disease. Therefore, it has been classified as a Variant of Uncertain Significance.

Literature cited by the submitters: PubMed 17576681; PubMed 9536098.